The following is an entry in ClinVar:

ClinVar aggregate classification (germline): Pathogenic (1 of 4 stars; one submission).

Conditions:
CHARGE syndrome (CHARGE). Also called: Hittner Hirsch Kreh syndrome; CHARGE ASSOCIATION--COLOBOMA, HEART ANOMALY, CHOANAL ATRESIA, RETARDATION, GENITAL AND EAR ANOMALIES; Coloboma, heart anomaly, choanal atresia, retardation, genital and ear anomalies; CHARGE association; Hall-Hittner syndrome. Identifiers: Orphanet 138, MedGen C0265354, MONDO:0008965.

Submission:

Labcorp Genetics (formerly Invitae), Labcorp
Classification: Pathogenic for CHARGE syndrome. Last evaluated: 2020-06-25. Review status: criteria provided, single submitter. Criteria: Invitae Variant Classification Sherloc (09022015). Collection method: clinical testing. Allele origin: germline.
Comment: For these reasons, this variant has been classified as Pathogenic. Loss-of-function variants in CHD7 are known to be pathogenic (PMID: 22461308, 25077900). A different variant (c.2195dup) giving rise to the same protein effect observed here (p.Pro733Thrfs*6) has been determined to be pathogenic (Invitae). This suggests that this variant is also likely to be causative of disease. This variant has been observed in individual(s) with clinical features of CHARGE syndrome (PMID: 22461308). This variant is not present in population databases (ExAC no frequency). This sequence change creates a premature translational stop signal (p.Pro733Thrfs*6) in the CHD7 gene. It is expected to result in an absent or disrupted protein product.

Literature cited by the submitters: PubMed 22461308; PubMed 25077900.

NM_017780.4(CHD7):c.2196dup (p.Pro733fs)

Gene: CHD7 (chromodomain helicase DNA binding protein 7; plus strand). Cytogenetic location: 8q12.2.
Variant type: Duplication.
Coding change: c.2196dup on transcript NM_017780.4 (MANE Select); coding-DNA position 2196, one base duplicated (A; older notation c.2196dupA).
Protein change: p.Pro733fs; shifts the reading frame from proline 733.
Molecular consequence: frameshift variant. On other transcripts: intron variant (1).
Genome position (GRCh38, 1-based): chr8:60,795,085, A duplicated. VCF-style (leftmost placement, unchanged base first): chr8-60795084-C-CA. GRCh37 (hg19) VCF-style: chr8-61707643-C-CA.
Other names: c.1716+14035dup (NM_001316690.1); short protein forms P733fs.
Identifiers: ClinVar variation 1072854 (VCV001072854.9), dbSNP rs2150697832, ClinGen allele CA2499219360.